The following is an entry in ClinVar:

NM_001292063.2(OTOG):c.1549C>G (p.Arg517Gly)

Gene: OTOG (otogelin; plus strand). Cytogenetic location: 11p15.1.
Variant type: single nucleotide variant.
Coding change: c.1549C>G on transcript NM_001292063.2 (MANE Select); coding-DNA position 1549, C replaced by G.
Protein change: p.Arg517Gly; replaces arginine 517 with glycine.
Molecular consequence: missense variant.
Genome position (GRCh38, 1-based): chr11:17,561,712, C>G. VCF-style: chr11-17561712-C-G. GRCh37 (hg19) VCF-style: chr11-17583259-C-G.
Other names: c.1585C>G, p.Arg529Gly (NM_001277269.2); short protein forms R517G, R529G.
Identifiers: ClinVar variation 2502551 (VCV002502551.2), dbSNP rs980878787, ClinGen allele CA218498592.
Genomic context (GRCh38, chr11:17,561,712, plus strand): 5'-TACCTCTCAGCTGAGTGCTCAGTGACTGGTGACATTCACTTCACAACCTTTGATGGCCGC[C>G]GGTACACGTTCCCCGCCACATGTCAGTACATCCTGGCCAAGAGCCGCTCTTCGGGCACCT-3'
Protein context (NP_001278992.1, residues 507-527): DIHFTTFDGR[Arg517Gly]YTFPATCQYI

ClinVar aggregate classification (germline): Uncertain significance. Review status: criteria provided, multiple submitters, no conflicts (2 of 4 stars). 2 submissions from 2 submitters: Uncertain significance (2). Last evaluated 2024-10-21.

gnomAD v4.1: 361 of 1,550,376 alleles (0.023%); highest among the groups gnomAD compares: Non-Finnish European, 0.031%; no homozygotes.

Submissions (2):

Blueprint Genetics
Classification: Uncertain significance. Last evaluated: 2024-10-21. Review status: criteria provided, single submitter. Criteria: ACMG Guidelines, 2015. Collection method: clinical testing. Allele origin: germline.

GeneDx
Classification: Uncertain significance. Last evaluated: 2023-05-08. Review status: criteria provided, single submitter. Criteria: GeneDx Variant Classification Process June 2021. Collection method: clinical testing. Allele origin: germline. Affected: yes.
Comment: In silico analysis supports that this missense variant has a deleterious effect on protein structure/function; Has not been previously published as pathogenic or benign to our knowledge